The following is an entry in ClinVar:

ClinVar aggregate classification (germline): Likely pathogenic (1 of 4 stars; one submission).

Conditions:
NT5E-related disorder. Also called: NT5E-related condition.

Submission:

PreventionGenetics, part of Exact Sciences
Classification: Likely pathogenic for NT5E-related condition. Last evaluated: 2023-03-28. Review status: criteria provided, single submitter. Criteria: ACMG Guidelines, 2015. Collection method: clinical testing. Allele origin: germline.
Comment: The NT5E c.1428C>A variant is predicted to result in premature protein termination (p.Cys476*). To our knowledge, this variant has not been reported in the literature or in a large population database, indicating this variant is rare. Nonsense variants in NT5E are expected to be pathogenic. This variant is interpreted as likely pathogenic.

NM_002526.4(NT5E):c.1428C>A (p.Cys476Ter)

Gene: NT5E (5'-nucleotidase ecto; plus strand). Cytogenetic location: 6q14.3.
Variant type: single nucleotide variant.
Coding change: c.1428C>A on transcript NM_002526.4 (MANE Select); coding-DNA position 1428, C replaced by A.
Protein change: p.Cys476Ter; replaces cysteine 476 with a stop codon.
Molecular consequence: nonsense.
Genome position (GRCh38, 1-based): chr6:85,492,044, C>A. VCF-style: chr6-85492044-C-A. GRCh37 (hg19) VCF-style: chr6-86201762-C-A.
Other names: c.1278C>A, p.Cys426Ter (NM_001204813.2); short protein forms C426*, C476*.
Identifiers: ClinVar variation 2633543 (VCV002633543.1), dbSNP rs1769796270, ClinGen allele CA364892516.
Genomic context (GRCh38, chr6:85,492,044, plus strand): 5'-TGTGGTGTATGATCTTTCCCGAAAACCTGGAGACAGAGTAGTCAAATTAGATGTTCTTTG[C>A]ACCAAGTGTCGAGTGCCCAGTTATGACCCTCTCAAAATGGACGAGGTATATAAGGTGATC-3'